The following is an entry in ClinVar:

ClinVar aggregate classification (germline): Likely benign. Review status: criteria provided, multiple submitters, no conflicts (2 of 4 stars). 3 submissions from 3 submitters: Likely benign (2). 1 of the submissions does not count toward it. Last evaluated 2024-01-18.

Conditions:
LRPPRC-related disorder. Also called: LRPPRC-related condition.

Allele frequency attached by ClinVar (database versions not stated): gnomAD exomes 0.00002; ExAC 0.00003; TOPMed 0.00012; 1000 Genomes Project 30x 0.00031; gnomAD 0.00011 and 0.00009; 1000 Genomes Project 0.00020.
gnomAD v4.1: 28 of 1,612,692 alleles (0.0017%); highest among the groups gnomAD compares: African/African-American, 0.027%; no homozygotes.

Submissions (3):

Labcorp Genetics (formerly Invitae), Labcorp
Classification: Likely benign. Last evaluated: 2024-01-18. Review status: criteria provided, single submitter. Criteria: Invitae Variant Classification Sherloc (09022015). Collection method: clinical testing. Allele origin: germline.

GeneDx
Classification: Likely benign. Last evaluated: 2018-05-21. Review status: criteria provided, single submitter. Criteria: GeneDx Variant Classification (06012015). Collection method: clinical testing. Allele origin: germline. Affected: yes.
Comment: This variant is considered likely benign or benign based on one or more of the following criteria: it is a conservative change, it occurs at a poorly conserved position in the protein, it is predicted to be benign by multiple in silico algorithms, and/or has population frequency not consistent with disease.

PreventionGenetics, part of Exact Sciences
Classification: Likely benign for LRPPRC-related condition. Last evaluated: 2022-07-06. Review status: no assertion criteria provided. Collection method: clinical testing. Allele origin: germline. Not counted in ClinVar's aggregate classification.
Comment: This variant is classified as likely benign based on ACMG/AMP sequence variant interpretation guidelines (Richards et al. 2015 PMID: 25741868, with internal and published modifications).

NM_133259.4(LRPPRC):c.2487C>T (p.Val829=)

Gene: LRPPRC (leucine rich pentatricopeptide repeat containing; minus strand). Cytogenetic location: 2p21.
Variant type: single nucleotide variant.
Coding change: c.2487C>T on transcript NM_133259.4 (MANE Select); coding-DNA position 2487, C replaced by T.
Protein change: p.Val829=; no amino-acid change (valine 829 retained).
Molecular consequence: synonymous variant.
Genome position (GRCh38, 1-based): chr2:43,943,704, G>A on the plus strand (C>T on the coding strand, the complement: LRPPRC is on the minus strand). VCF-style: chr2-43943704-G-A. GRCh37 (hg19) VCF-style: chr2-44170843-G-A.
Identifiers: ClinVar variation 668497 (VCV000668497.14), dbSNP rs527287371, ClinGen allele CA1638457.